The following is an entry in ClinVar:

NM_001256545.2(MEGF10):c.482A>G (p.Asn161Ser)

Gene: MEGF10 (multiple EGF like domains 10; plus strand). Cytogenetic location: 5q23.2.
Variant type: single nucleotide variant.
Coding change: c.482A>G on transcript NM_001256545.2 (MANE Select); coding-DNA position 482, A replaced by G.
Protein change: p.Asn161Ser; replaces asparagine 161 with serine.
Molecular consequence: missense variant.
Genome position (GRCh38, 1-based): chr5:127,396,601, A>G. VCF-style: chr5-127396601-A-G. GRCh37 (hg19) VCF-style: chr5-126732293-A-G.
Other names: c.482A>G, p.Asn161Ser (NM_001308119.2, NM_001308121.2, NM_032446.3); short protein forms N161S.
Identifiers: ClinVar variation 566235 (VCV000566235.7), dbSNP rs919641160, ClinGen allele CA126930015.

ClinVar aggregate classification (germline): Uncertain significance. Review status: criteria provided, multiple submitters, no conflicts (2 of 4 stars). 2 submissions from 2 submitters: Uncertain significance (2). Last evaluated 2024-03-18.

Conditions:
Inborn genetic diseases. Identifiers: MedGen C0950123, MeSH D030342.
MEGF10-related myopathy (CMYO10A). Also called: Congenital myopathy 10A, severe variant. Identifiers: Orphanet 439212, MedGen C3280679, MONDO:0013731, OMIM 614399.

Allele frequency attached by ClinVar (database versions not stated): gnomAD exomes 0.00001; TOPMed 0.00003; gnomAD 0.00005.

Submissions (2):

Ambry Genetics
Classification: Uncertain significance for Inborn genetic diseases. Last evaluated: 2024-03-18. Review status: criteria provided, single submitter. Criteria: Ambry Variant Classification Scheme 2023. Collection method: clinical testing. Allele origin: germline.

Labcorp Genetics (formerly Invitae), Labcorp
Classification: Uncertain significance for MEGF10-related myopathy. Last evaluated: 2022-03-09. Review status: criteria provided, single submitter. Criteria: Invitae Variant Classification Sherloc (09022015). Collection method: clinical testing. Allele origin: germline.
Comment: This sequence change replaces asparagine, which is neutral and polar, with serine, which is neutral and polar, at codon 161 of the MEGF10 protein (p.Asn161Ser). This variant is present in population databases (no rsID available, gnomAD 0.008%). This variant has not been reported in the literature in individuals affected with MEGF10-related conditions. ClinVar contains an entry for this variant (Variation ID: 566235). Algorithms developed to predict the effect of missense changes on protein structure and function (SIFT, PolyPhen-2, Align-GVGD) all suggest that this variant is likely to be disruptive. Algorithms developed to predict the effect of sequence changes on RNA splicing suggest that this variant may create or strengthen a splice site. In summary, the available evidence is currently insufficient to determine the role of this variant in disease. Therefore, it has been classified as a Variant of Uncertain Significance.